The following is an entry in ClinVar:

NM_001177693.2(ARHGEF28):c.3695A>G (p.Tyr1232Cys)

Gene: ARHGEF28 (Rho guanine nucleotide exchange factor 28; plus strand). Cytogenetic location: 5q13.2.
Variant type: single nucleotide variant.
Coding change: c.3695A>G on transcript NM_001177693.2 (MANE Select); coding-DNA position 3695, A replaced by G.
Protein change: p.Tyr1232Cys; replaces tyrosine 1232 with cysteine.
Molecular consequence: missense variant.
Genome position (GRCh38, 1-based): chr5:73,894,429, A>G. VCF-style: chr5-73894429-A-G. GRCh37 (hg19) VCF-style: chr5-73190254-A-G.
Other names: c.3695A>G, p.Tyr1232Cys (NM_001080479.3, NM_001388078.1); c.2756A>G, p.Tyr919Cys (NM_001244364.2); c.3401A>G, p.Tyr1134Cys (NM_001388076.1); short protein forms Y1134C, Y1232C, Y919C.
Identifiers: ClinVar variation 3031201 (VCV003031201.2), dbSNP rs371627261, ClinGen allele CA3305151.

ClinVar aggregate classification (germline): Likely benign (0 of 4 stars; one submission).

Conditions:
ARHGEF28-related disorder. Also called: ARHGEF28-related condition.

Allele frequency attached by ClinVar (database versions not stated): gnomAD 0.00006; gnomAD exomes 0.00006; TOPMed 0.00008; ExAC 0.00010; ESP Exome Variant Server 0.00017.
gnomAD v4.1: 103 of 1,613,346 alleles (0.0064%); highest among the groups gnomAD compares: Middle Eastern, 0.033%; no homozygotes.

Submission:

PreventionGenetics, part of Exact Sciences
Classification: Likely benign for ARHGEF28-related condition. Last evaluated: 2022-04-07. Review status: no assertion criteria provided. Collection method: clinical testing. Allele origin: germline.
Comment: This variant is classified as likely benign based on ACMG/AMP sequence variant interpretation guidelines (Richards et al. 2015 PMID: 25741868, with internal and published modifications).